The following is an entry in ClinVar:

ClinVar aggregate classification (germline): Uncertain significance. Review status: criteria provided, multiple submitters, no conflicts (2 of 4 stars). 2 submissions from 2 submitters: Uncertain significance (2). Last evaluated 2022-10-13.

Conditions:
Congenital muscular dystrophy due to integrin alpha-7 deficiency. Also called: Congenital muscular dystrophy with integrin alpha-7 deficiency; Muscular dystrophy, congenital, due to ITGA7 deficiency; MYOPATHY, CONGENITAL, DUE TO INTEGRIN ALPHA-7 DEFICIENCY. Identifiers: Orphanet 34520, MedGen C2750786, MONDO:0013177, OMIM 613204.

Allele frequency attached by ClinVar (database versions not stated): gnomAD exomes below 0.00001 and 0.00001; ExAC 0.00001; gnomAD 0.00002 and 0.00003; TOPMed 0.00005.
gnomAD v4.1: 15 of 1,611,902 alleles (0.00093%); highest among the groups gnomAD compares: Middle Eastern, 0.016%; no homozygotes.

Submissions (2):

Labcorp Genetics (formerly Invitae), Labcorp
Classification: Uncertain significance for Congenital muscular dystrophy due to integrin alpha-7 deficiency. Last evaluated: 2022-10-13. Review status: criteria provided, single submitter. Criteria: Invitae Variant Classification Sherloc (09022015). Collection method: clinical testing. Allele origin: germline.
Comment: This sequence change replaces serine, which is neutral and polar, with leucine, which is neutral and non-polar, at codon 269 of the ITGA7 protein (p.Ser269Leu). The frequency data for this variant in the population databases is considered unreliable, as metrics indicate poor data quality at this position in the gnomAD database. This variant has not been reported in the literature in individuals affected with ITGA7-related conditions. ClinVar contains an entry for this variant (Variation ID: 967506). Advanced modeling of protein sequence and biophysical properties (such as structural, functional, and spatial information, amino acid conservation, physicochemical variation, residue mobility, and thermodynamic stability) performed at Invitae indicates that this missense variant is not expected to disrupt ITGA7 protein function. In summary, the available evidence is currently insufficient to determine the role of this variant in disease. Therefore, it has been classified as a Variant of Uncertain Significance.

Ambry Genetics
Classification: Uncertain significance. Last evaluated: 2021-08-12. Review status: criteria provided, single submitter. Criteria: Ambry Variant Classification Scheme 2023. Collection method: clinical testing. Allele origin: germline.

NM_002206.3(ITGA7):c.806C>T (p.Ser269Leu)

Gene: ITGA7 (integrin subunit alpha 7; minus strand). Cytogenetic location: 12q13.2.
Variant type: single nucleotide variant.
Coding change: c.806C>T on transcript NM_002206.3 (MANE Select); coding-DNA position 806, C replaced by T.
Protein change: p.Ser269Leu; replaces serine 269 with leucine.
Molecular consequence: missense variant. On other transcripts: 5 prime UTR variant (1).
Genome position (GRCh38, 1-based): chr12:55,698,902, G>A on the plus strand (C>T on the coding strand, the complement: ITGA7 is on the minus strand). VCF-style: chr12-55698902-G-A. GRCh37 (hg19) VCF-style: chr12-56092686-G-A.
Other names: c.806C>T, p.Ser269Leu (NM_001374465.1, NM_001414031.1, NM_001414034.1); c.938C>T, p.Ser313Leu (NM_001410977.1); c.818C>T, p.Ser273Leu (NM_001414029.1, NM_001414030.1, NM_001144996.2); c.686C>T, p.Ser229Leu (NM_001414032.1); c.623C>T, p.Ser208Leu (NM_001414033.1); c.467C>T, p.Ser156Leu (NM_001414035.1); c.527C>T, p.Ser176Leu (NM_001144997.2); c.479C>T, p.Ser160Leu (NM_001367993.1); and 1 more; short protein forms S176L, S273L, S160L, S269L, S313L, S208L, S229L, S156L.
Identifiers: ClinVar variation 967506 (VCV000967506.7), dbSNP rs764610914, ClinGen allele CA6616153.